The following is an entry in ClinVar:

NM_144999.4(LRRC45):c.1625T>A (p.Leu542Gln)

Gene: LRRC45 (leucine rich repeat containing 45; plus strand). Cytogenetic location: 17q25.3.
Variant type: single nucleotide variant.
Coding change: c.1625T>A on transcript NM_144999.4 (MANE Select); coding-DNA position 1625, T replaced by A.
Protein change: p.Leu542Gln; replaces leucine 542 with glutamine.
Molecular consequence: missense variant.
Genome position (GRCh38, 1-based): chr17:82,030,195, T>A. VCF-style: chr17-82030195-T-A. GRCh37 (hg19) VCF-style: chr17-79988071-T-A.
Other names: c.1625T>A (NM_144999.3); short protein forms L542Q.
Identifiers: ClinVar variation 4100469 (VCV004100469.2).

ClinVar aggregate classification (germline): Uncertain significance. Review status: criteria provided, multiple submitters, no conflicts (2 of 4 stars). 2 submissions from 2 submitters: Uncertain significance (2). Last evaluated 2025-08-24.

Conditions:
LRRC45-related disorder. Also called: LRRC45-related condition.

Submissions (2):

Ambry Genetics
Classification: Uncertain significance. Last evaluated: 2025-08-24. Review status: criteria provided, single submitter. Criteria: Ambry Variant Classification Scheme 2023. Collection method: clinical testing. Allele origin: germline.

PreventionGenetics, part of Exact Sciences
Classification: Uncertain significance for LRRC45-related condition. Last evaluated: 2025-08-13. Review status: criteria provided, single submitter. Criteria: ACMG Guidelines, 2015. Collection method: clinical testing. Allele origin: germline.
Comment: The LRRC45 c.1625T>A variant is predicted to result in the amino acid substitution p.Leu542Gln. To our knowledge, this variant has not been reported in the literature or in a large population database (gnomAD), indicating this variant is rare. At this time, the clinical significance of this variant is uncertain due to the absence of conclusive functional and genetic evidence.